The following is an entry in ClinVar:

NM_018905.3(PCDHA2):c.1870del (p.Val624fs)

Genes: PCDHA1 (protocadherin alpha 1; plus strand), PCDHA2 (protocadherin alpha 2; plus strand), PCDHA@ (protocadherin alpha cluster, complex locus; plus strand). Cytogenetic location: 5q31.3.
Variant type: Deletion.
Coding change: c.1870del on transcript NM_018905.3 (MANE Select); coding-DNA position 1870, one base deleted (G; older notation c.1870delG).
Protein change: p.Val624fs; shifts the reading frame from valine 624.
Molecular consequence: frameshift variant. On other transcripts: intron variant (2).
Genome position (GRCh38, 1-based): chr5:140,796,834, G deleted. VCF-style (leftmost placement, unchanged base first): chr5-140796833-CG-C. GRCh37 (hg19) VCF-style: chr5-140176418-CG-C.
Other names: c.1870del, p.Val624fs (NM_031495.2, NM_031496.2); c.2394+8150del (NM_018900.4); c.1602+8942del (NM_031411.3); short protein forms V624fs.
Identifiers: ClinVar variation 4886248 (VCV004886248.2).

ClinVar aggregate classification (germline): Uncertain significance (1 of 4 stars; one submission).

Submission:

Dasa
Classification: Uncertain significance. Last evaluated: 2025-06-27. Review status: criteria provided, single submitter. Criteria: DASA Assertion Criteria. Collection method: clinical testing. Allele origin: germline.
Comment: NM_018905.3(PCDHA2):c.1870del (p.Val624Trpfs*14) is a frameshift variant in PCDHA2 predicted to alter the reading frame and introduce a premature termination codon. This variant is rare in population databases. The currently available literature and clinical evidence are not sufficient to establish a definitive association between this variant and the reported condition. Therefore, this variant is classified as a variant of uncertain significance.